The following is an entry in ClinVar:

ClinVar aggregate classification (germline): Uncertain significance (1 of 4 stars; one submission).

Conditions:
Hereditary cancer-predisposing syndrome. Also called: Tumor predisposition; Hereditary Cancer Syndrome; Hereditary neoplastic syndrome; Neoplastic Syndromes, Hereditary. Identifiers: Orphanet 140162, MedGen C0027672, MeSH D009386, MONDO:0015356.

Allele frequency attached by ClinVar (database versions not stated): gnomAD exomes below 0.00001.
gnomAD v4.1: 1 of 1,614,106 alleles (0.000062%); highest among the groups gnomAD compares: Non-Finnish European, 0.000085%; no homozygotes.

Submission:

Ambry Genetics
Classification: Uncertain significance for Hereditary cancer-predisposing syndrome. Last evaluated: 2023-09-13. Review status: criteria provided, single submitter. Criteria: Ambry Variant Classification Scheme 2023. Collection method: clinical testing. Allele origin: germline.
Comment: The c.903+3G>A intronic variant results from a G to A substitution 3 nucleotides after coding exon 9 in the RAD51D gene. This nucleotide position is well conserved in available vertebrate species. In silico splice site analysis predicts that this alteration will not have any significant effect on splicing. Since supporting evidence is limited at this time, the clinical significance of this alteration remains unclear.

NM_002878.4(RAD51D):c.903+3G>A

Genes: RAD51L3-RFFL (RAD51L3-RFFL readthrough; minus strand), RAD51D (RAD51 paralog D; minus strand). Cytogenetic location: 17q12.
Variant type: single nucleotide variant.
Coding change: c.903+3G>A on transcript NM_002878.4 (MANE Select); 3 bases into the intron after coding-DNA position 903, G replaced by A.
Molecular consequence: intron variant.
Genome position (GRCh38, 1-based): chr17:35,101,198, C>T on the plus strand (G>A on the coding strand, the complement: RAD51D is on the minus strand). VCF-style: chr17-35101198-C-T. GRCh37 (hg19) VCF-style: chr17-33428217-C-T.
Other names: c.567+3G>A (NM_133629.3); c.963+3G>A (NM_001142571.2).
Identifiers: ClinVar variation 2625303 (VCV002625303.2), dbSNP rs2142410788, ClinGen allele CA2582342163.
Genomic context (GRCh38, chr17:35,101,198, plus strand): 5'-TGTGGGTATGGAAACCACCCTCCAGGGCCCAAGATTACTGGCATCTTCCTGGGGCTGGCT[C>T]ACCTGTCGGGAAGATTTGGCCAGACACGCCATGCGCCGGCCGCCTGATGCTCCTGCTCCC-3'